The following is an entry in ClinVar:

NM_006270.5(RRAS):c.344+6del

Gene: RRAS (RAS related; minus strand). Cytogenetic location: 19q13.33.
Variant type: Deletion.
Coding change: c.344+6del on transcript NM_006270.5 (MANE Select); 6 bases into the intron after coding-DNA position 344, one base deleted (A; older notation c.344+6delA).
Molecular consequence: intron variant.
Genome position (GRCh38, 1-based): chr19:49,636,818, T deleted on the plus strand (A on the coding strand, the reverse complement: RRAS is on the minus strand). VCF-style (leftmost placement, unchanged base first): chr19-49636817-CT-C. GRCh37 (hg19) VCF-style: chr19-50140074-CT-C.
Identifiers: ClinVar variation 1331363 (VCV001331363.1), dbSNP rs1482812198, ClinGen allele CA633893085.

ClinVar aggregate classification (germline): Uncertain significance (1 of 4 stars; one submission).

Allele frequency attached by ClinVar (database versions not stated): gnomAD exomes below 0.00001.

Submission:

Women's Health and Genetics/Laboratory Corporation of America, LabCorp
Classification: Uncertain significance. Last evaluated: 2021-12-06. Review status: criteria provided, single submitter. Criteria: LabCorp Variant Classification Summary - May 2015. Collection method: clinical testing. Allele origin: germline.
Comment: Variant summary: RRAS c.344+6delA alters a non-conserved nucleotide located close to a canonical splice site and therefore could affect mRNA splicing, leading to a significantly altered protein sequence. 4/4 computational tools predict no significant impact on normal splicing. However, these predictions have yet to be confirmed by functional studies. The variant allele was found at a frequency of 4e-06 in 250312 control chromosomes (gnomAD). The available data on variant occurrences in the general population are insufficient to allow any conclusion about variant significance. To our knowledge, no occurrence of c.344+6delA in individuals affected with Noonan Syndrome And Related Conditions and no experimental evidence demonstrating its impact on protein function have been reported. No clinical diagnostic laboratories have submitted clinical-significance assessments for this variant to ClinVar after 2014. Based on the evidence outlined above, the variant was classified as uncertain significance.